The following is an entry in ClinVar:

ClinVar aggregate classification (germline): Likely benign (0 of 4 stars; one submission).

Conditions:
SNX17-related disorder. Also called: SNX17-related condition.

Allele frequency attached by ClinVar (database versions not stated): 1000 Genomes Project 30x 0.00094; 1000 Genomes Project 0.00100; gnomAD 0.00106; TOPMed 0.00107; ExAC 0.00113; ESP Exome Variant Server 0.00131; gnomAD exomes 0.00155.
gnomAD v4.1: 2,389 of 1,614,162 alleles (0.15%); highest among the groups gnomAD compares: Non-Finnish European, 0.19%; 3 homozygotes.

Submission:

PreventionGenetics, part of Exact Sciences
Classification: Likely benign for SNX17-related condition. Last evaluated: 2022-03-30. Review status: no assertion criteria provided. Collection method: clinical testing. Allele origin: germline.
Comment: This variant is classified as likely benign based on ACMG/AMP sequence variant interpretation guidelines (Richards et al. 2015 PMID: 25741868, with internal and published modifications).

NM_014748.4(SNX17):c.873C>T (p.Ser291=)

Gene: SNX17 (sorting nexin 17; plus strand). Cytogenetic location: 2p23.3.
Variant type: single nucleotide variant.
Coding change: c.873C>T on transcript NM_014748.4 (MANE Select); coding-DNA position 873, C replaced by T.
Protein change: p.Ser291=; no amino-acid change (serine 291 retained).
Molecular consequence: synonymous variant. On other transcripts: non-coding transcript variant (7).
Genome position (GRCh38, 1-based): chr2:27,375,604, C>T. VCF-style: chr2-27375604-C-T. GRCh37 (hg19) VCF-style: chr2-27598471-C-T.
Other names: c.837C>T, p.Ser279= (NM_001267059.2); c.798C>T, p.Ser266= (NM_001267060.2); c.813C>T, p.Ser271= (NM_001267061.2).
Identifiers: ClinVar variation 3050925 (VCV003050925.2), dbSNP rs147391609, ClinGen allele CA1577448.
Genomic context (GRCh38, chr2:27,375,604, plus strand): 5'-CTTGCGCTTTGATGCCTGTGTGGCTGACTTCCCAGAAAAGGACTGTCCTGTGGTGGTGAG[C>T]GCGGGCAACAGTGAGCTCAGCCTGCAGCTCCGCCTGCCTGGCCAGCAACTCCGAGAAGGC-3'
Protein context (NP_055563.1, residues 281-301): FPEKDCPVVV[Ser291=]AGNSELSLQL